The following is an entry in ClinVar:

NM_001020658.2(PUM1):c.2546T>C (p.Ile849Thr)

Gene: PUM1 (pumilio RNA binding family member 1; minus strand). Cytogenetic location: 1p35.2.
Variant type: single nucleotide variant.
Coding change: c.2546T>C on transcript NM_001020658.2 (MANE Select); coding-DNA position 2546, T replaced by C.
Protein change: p.Ile849Thr; replaces isoleucine 849 with threonine.
Molecular consequence: missense variant.
Genome position (GRCh38, 1-based): chr1:30,953,759, A>G on the plus strand (T>C on the coding strand, the complement: PUM1 is on the minus strand). VCF-style: chr1-30953759-A-G. GRCh37 (hg19) VCF-style: chr1-31426606-A-G.
Other names: c.2546T>C, p.Ile849Thr (NM_014676.3); short protein forms I849T.
Identifiers: ClinVar variation 4881597 (VCV004881597.2).
Genomic context (GRCh38, chr1:30,953,759, plus strand): 5'-AAGCCAAGTACTCACCTGGACCCATGCTGGTCTTGGGAAAATTCCATTATATGTCCAGCA[A>G]TCTCCCGCAGTTGTAAATTGGGGTACCGGTTGTTTCGAAAATCTTCCAAAAGCCTGCTCC-3'
Protein context (NP_001018494.1, residues 839-859): NRYPNLQLRE[Ile849Thr]AGHIMEFSQD

ClinVar aggregate classification (germline): Uncertain significance (1 of 4 stars; one submission).

gnomAD v4.1: 2 of 1,614,206 alleles (0.00012%); highest among the groups gnomAD compares: South Asian, 0.0022%; no homozygotes.

Submission:

Dasa
Classification: Uncertain significance. Last evaluated: 2026-04-12. Review status: criteria provided, single submitter. Criteria: DASA Assertion Criteria. Collection method: clinical testing. Allele origin: germline.
Comment: NM_001020658.2(PUM1):c.2546T>C (p.Ile849Thr) is a missense variant that results in the substitution of isoleucine with threonine. This variant is rare in population databases. Computational prediction algorithms are consistent with a deleterious effect. The currently available literature and clinical evidence are not sufficient to establish a definitive association between this variant and the reported condition. Therefore, this variant is classified as a variant of uncertain significance.